The following is an entry in ClinVar:

ClinVar aggregate classification (germline): Pathogenic/Likely pathogenic. Review status: criteria provided, multiple submitters, no conflicts (2 of 4 stars). 3 submissions from 3 submitters: Pathogenic (1); Likely pathogenic (2). Last evaluated 2024-10-18.

Conditions:
Autosomal recessive limb-girdle muscular dystrophy type 2J (LGMDR10). Also called: Limb-girdle muscular dystrophy, type 2J; MUSCULAR DYSTROPHY, LIMB-GIRDLE, AUTOSOMAL RECESSIVE 10. Identifiers: Orphanet 140922, MedGen C1837342, MONDO:0012127, OMIM 608807.
Dilated cardiomyopathy 1G (CMD1G). Identifiers: Orphanet 154, MedGen C1858763, MONDO:0011400, OMIM 604145.
Primary dilated cardiomyopathy (DCM). Also called: Dilated Cardiomyopathy. Identifiers: Orphanet 217604, MedGen C0007193, MeSH D002311, MONDO:0005021, HP:0001644. Inheritance: Various modes of inheritance.
TTN-related disorder. Also called: TTN-related disorders; TTN-related condition; TTN-related disease.

Submissions (3):

Labcorp Genetics (formerly Invitae), Labcorp
Classification: Likely pathogenic for Dilated cardiomyopathy 1G; Autosomal recessive limb-girdle muscular dystrophy type 2J. Last evaluated: 2024-10-18. Review status: criteria provided, single submitter. Criteria: Invitae Variant Classification Sherloc (09022015). Collection method: clinical testing. Allele origin: germline.
Comment: This sequence change creates a premature translational stop signal (p.Glu4634*) in the TTN gene. While this is not anticipated to result in nonsense mediated decay, it is expected to create a truncated TTN protein. This variant is not present in population databases (gnomAD no frequency). This variant has not been observed in the literature in individuals with autosomal recessive TTN-related conditions. This variant has been reported in individual(s) with autosomal dominant dilated cardiomyopathy (PMID: 25589632; internal data); however, the role of the variant in this condition is currently unclear. ClinVar contains an entry for this variant (Variation ID: 223365). This variant is located in the I band of TTN (PMID: 25589632). Truncating variants in this region have been reported in individuals affected with autosomal recessive centronuclear myopathy (PMID: 23975875, internal data). Truncating variants in this region have also been identified in individuals affected with autosomal dominant dilated cardiomyopathy and/or cardio-related conditions (PMID: 27869827, 32964742, internal data). In summary, the currently available evidence indicates that the variant is pathogenic, but additional data are needed to prove that conclusively. Therefore, this variant has been classified as Likely Pathogenic.

Blueprint Genetics
Classification: Pathogenic for TTN-related disorders. Last evaluated: 2021-10-19. Review status: criteria provided, single submitter. Criteria: ACMG Guidelines, 2015. Collection method: clinical testing. Allele origin: germline. Affected: yes. Observed: 1 variant allele.

Cardiovascular Biomedical Research Unit, Royal Brompton & Harefield NHS Foundation Trust
Classification: Likely pathogenic for Primary dilated cardiomyopathy. Last evaluated: 2014-10-08. Review status: criteria provided, single submitter. Criteria: Roberts et al. 2015. Collection method: research. Allele origin: germline. Inheritance: Autosomal dominant inheritance. Affected: yes. Observed: 1 variant allele. Study: Familial DCM.
Comment: In the seven cohorts assessed, TTNtv were found in 14% of ambulant DCM, 22% end-stage or familial DCM, and 2% controls. Heterozygous nonsense, frameshift and canonical splice-disrupting variants found in constitutive and other highly utilised exons are highly likely to be pathogenic when identified in individuals with phenotypically confirmed DCM. TTNtv found incidentally in healthy individuals (excluding familial assessment of DCM relatives) are thought to have low penetrance, particularly when identified in exons that are not constitutively expressed in the heart.

Literature cited by the submitters: PubMed 25589632 (cited by Labcorp Genetics (formerly Invitae), Labcorp); PubMed 23975875 (cited by Labcorp Genetics (formerly Invitae), Labcorp); PubMed 27869827 (cited by Labcorp Genetics (formerly Invitae), Labcorp); PubMed 32964742 (cited by Labcorp Genetics (formerly Invitae), Labcorp).

NM_001267550.2(TTN):c.13900G>T (p.Glu4634Ter)

Gene: TTN (titin; minus strand). Cytogenetic location: 2q31.2.
Variant type: single nucleotide variant.
Coding change: c.13900G>T on transcript NM_001267550.2 (MANE Select); coding-DNA position 13900, G replaced by T.
Protein change: p.Glu4634Ter; replaces glutamic acid 4634 with a stop codon.
Molecular consequence: nonsense. On other transcripts: intron variant (1).
Genome position (GRCh38, 1-based): chr2:178,739,333, C>A on the plus strand (G>T on the coding strand, the complement: TTN is on the minus strand). VCF-style: chr2-178739333-C-A. GRCh37 (hg19) VCF-style: chr2-179604060-C-A.
Other names: c.12949G>T, p.Glu4317Ter (NM_001256850.1); c.12811G>T, p.Glu4271Ter (NM_003319.4); c.13186G>T, p.Glu4396Ter (NM_133432.3); c.13387G>T, p.Glu4463Ter (NM_133437.4); c.10361-973G>T (NM_133378.4); c.13900G>T (LRG_391t1); short protein forms E4634*, E4271*, E4396*, E4463*, E4317*.
Identifiers: ClinVar variation 223365 (VCV000223365.10), dbSNP rs869312103, ClinGen allele CA353187.